The following is an entry in ClinVar:

ClinVar aggregate classification (germline): Benign. Review status: criteria provided, multiple submitters, no conflicts (2 of 4 stars). 2 submissions from 2 submitters: Benign (2). Last evaluated 2018-01-13.

Conditions:
Isolated focal non-epidermolytic palmoplantar keratoderma. Also called: Palmoplantar keratoderma, nonepidermolytic, focal 2. Identifiers: Orphanet 448264, MedGen C4225339, MONDO:0014622, OMIM 616400.

Allele frequency attached by ClinVar (database versions not stated): 1000 Genomes Project 0.00379; TOPMed 0.01009; gnomAD 0.01138 and 0.01165; 1000 Genomes Project 30x 0.00484.

Submissions (2):

Illumina Laboratory Services, Illumina
Classification: Benign for Isolated focal non-epidermolytic palmoplantar keratoderma. Last evaluated: 2018-01-13. Review status: criteria provided, single submitter. Criteria: ICSL Variant Classification Criteria 13 December 2019. Collection method: clinical testing. Allele origin: germline.
Comment: This variant was observed in the ICSL laboratory as part of a predisposition screen in an ostensibly healthy population. It had not been previously curated by ICSL or reported in the Human Gene Mutation Database (HGMD: prior to June 1st, 2018), and was therefore a candidate for classification through an automated scoring system. Utilizing variant allele frequency, disease prevalence and penetrance estimates, and inheritance mode, an automated score was calculated to assess if this variant is too frequent to cause the disease. Based on the score and internal cut-off values, a variant classified as benign is not then subjected to further curation. The score for this variant resulted in a classification of benign for this disease.

Breakthrough Genomics
Classification: Benign. Review status: criteria provided, single submitter. Criteria: ACMG Guidelines, 2015. Collection method: not provided. Allele origin: germline. Inheritance: Autosomal dominant inheritance. Affected: yes.

NM_145068.4(TRPV3):c.*2729A>G

Genes: SPATA22 (spermatogenesis associated 22; minus strand), TRPV3 (transient receptor potential cation channel subfamily V member 3; minus strand). Cytogenetic location: 17p13.2.
Variant type: single nucleotide variant.
Coding change: c.*2729A>G on transcript NM_145068.4 (MANE Select); 2729 bases downstream of the stop codon, A replaced by G.
Molecular consequence: 3 prime UTR variant. On other transcripts: intron variant (2).
Genome position (GRCh38, 1-based): chr17:3,511,188, T>C on the plus strand (A>G on the coding strand, the complement: TRPV3 is on the minus strand). VCF-style: chr17-3511188-T-C. GRCh37 (hg19) VCF-style: chr17-3414482-T-C.
Other names: c.*2729A>G (NM_001258205.2); c.-74+2224A>G (NM_001321336.2, NM_001321337.2).
Identifiers: ClinVar variation 322687 (VCV000322687.8), dbSNP rs118043532, ClinGen allele CA10639383.